The following is an entry in ClinVar:

Conditions:
Breast-ovarian cancer, familial, susceptibility to, 1 (BROVCA1). Also called: BRCA1 Hereditary Breast and Ovarian Cancer; OVARIAN CANCER, SUSCEPTIBILITY TO. Identifiers: Orphanet 145, MedGen C2676676, MONDO:0011450, OMIM 604370. Disease mechanism: loss of function.

Allele frequency attached by ClinVar (database versions not stated): gnomAD exomes below 0.00001.
gnomAD v4.1: 1 of 1,614,238 alleles (0.000062%); highest among the groups gnomAD compares: Non-Finnish European, 0.000085%; no homozygotes.

Submission:

Brotman Baty Institute, University of Washington
No classification provided (evidence only). Condition: Breast-ovarian cancer, familial 1. Review status: no classification provided. Collection method: in vitro. Allele origin: not applicable. Functional consequence: functionally_normal.
ClinVar note: "not provided" was previously submitted as the classification for the variant. However, the classification appeared to be based only on an observation of functional data so it was converted to no classification on 2025-07-30.

NM_007294.4(BRCA1):c.4930G>A (p.Glu1644Lys)

Gene: BRCA1 (BRCA1 DNA repair associated; minus strand). Cytogenetic location: 17q21.31.
Variant type: single nucleotide variant.
Coding change: c.4930G>A on transcript NM_007294.4 (MANE Select); coding-DNA position 4930, G replaced by A.
Protein change: p.Glu1644Lys; replaces glutamic acid 1644 with lysine.
Molecular consequence: missense variant. On other transcripts: non-coding transcript variant (1).
Genome position (GRCh38, 1-based): chr17:43,070,984, C>T on the plus strand (G>A on the coding strand, the complement: BRCA1 is on the minus strand). VCF-style: chr17-43070984-C-T. GRCh37 (hg19) VCF-style: chr17-41223001-C-T.
Other names: c.4786G>A, p.Glu1596Lys (NM_001407943.1, NM_001407944.1, NM_001407945.1 and 21 more transcripts); c.4597G>A, p.Glu1533Lys (NM_001407946.1, NM_001407947.1, NM_001407948.1 and 1 more transcripts); c.4594G>A, p.Glu1532Lys (NM_001407950.1, NM_001407951.1, NM_001407952.1 and 3 more transcripts); c.4543G>A, p.Glu1515Lys (NM_001407963.1); c.4468G>A, p.Glu1490Lys (NM_001407964.1); c.4423G>A, p.Glu1475Lys (NM_001407965.1); c.4042G>A, p.Glu1348Lys (NM_001407966.1); c.4039G>A, p.Glu1347Lys (NM_001407967.1); and 70 more; short protein forms E1644K, E1665K, E1597K, E540K, E1516K, E1531K, E1602K, E1639K.
Identifiers: ClinVar variation 865697 (VCV000865697.3), dbSNP rs397509205, ClinGen allele CA10591663.